The following is an entry in ClinVar:

NM_000038.6(APC):c.6100T>A (p.Ser2034Thr)

Gene: APC (APC regulator of Wnt signaling pathway; plus strand). Cytogenetic location: 5q22.2.
Variant type: single nucleotide variant.
Coding change: c.6100T>A on transcript NM_000038.6 (MANE Select); coding-DNA position 6100, T replaced by A.
Protein change: p.Ser2034Thr; replaces serine 2034 with threonine.
Molecular consequence: missense variant.
Genome position (GRCh38, 1-based): chr5:112,841,694, T>A. VCF-style: chr5-112841694-T-A. GRCh37 (hg19) VCF-style: chr5-112177391-T-A.
Other names: c.6100T>A, p.Ser2034Thr (NM_001127510.3, NM_001354895.2); c.6046T>A, p.Ser2016Thr (NM_001127511.3); c.6154T>A, p.Ser2052Thr (NM_001354896.2); c.6130T>A, p.Ser2044Thr (NM_001354897.2); c.6025T>A, p.Ser2009Thr (NM_001354898.2); c.6016T>A, p.Ser2006Thr (NM_001354899.2); c.5977T>A, p.Ser1993Thr (NM_001354900.2); c.5923T>A, p.Ser1975Thr (NM_001354901.2); and 5 more; short protein forms S1751T, S2034T, S2052T, S1874T, S1975T, S1993T, S1908T, S1943T.
Identifiers: ClinVar variation 1493857 (VCV001493857.8), dbSNP rs1766134330, ClinGen allele CA16034683.

ClinVar aggregate classification (germline): Uncertain significance (1 of 4 stars; one submission).

Conditions:
Familial adenomatous polyposis 1 (FAP1). Also called: FAMILIAL ADENOMATOUS POLYPOSIS 1, ATTENUATED; POLYPOSIS, ADENOMATOUS INTESTINAL. Identifiers: MedGen C2713442, MONDO:0021056, OMIM 175100. Disease mechanism: loss of function.

gnomAD v4.1: 1 of 1,613,882 alleles (0.000062%); no homozygotes.

Submission:

Labcorp Genetics (formerly Invitae), Labcorp
Classification: Uncertain significance for Familial adenomatous polyposis 1. Last evaluated: 2023-08-30. Review status: criteria provided, single submitter. Criteria: Invitae Variant Classification Sherloc (09022015). Collection method: clinical testing. Allele origin: germline.
Comment: In summary, the available evidence is currently insufficient to determine the role of this variant in disease. Therefore, it has been classified as a Variant of Uncertain Significance. Advanced modeling of protein sequence and biophysical properties (such as structural, functional, and spatial information, amino acid conservation, physicochemical variation, residue mobility, and thermodynamic stability) performed at Invitae indicates that this missense variant is not expected to disrupt APC protein function. This sequence change replaces serine, which is neutral and polar, with threonine, which is neutral and polar, at codon 2034 of the APC protein (p.Ser2034Thr). This variant is not present in population databases (gnomAD no frequency). This variant has not been reported in the literature in individuals affected with APC-related conditions. ClinVar contains an entry for this variant (Variation ID: 1493857).